The following is an entry in ClinVar:

ClinVar aggregate classification (germline): Likely pathogenic (1 of 4 stars; one submission).

Conditions:
Neuromuscular disease caused by qualitative or quantitative defects of dystrophin. Also called: Qualitative or quantitative defects of dystrophin. Identifiers: Orphanet 207085, MedGen C5679787, MONDO:0016147.

Submission:

Women's Health and Genetics/Laboratory Corporation of America, LabCorp
Classification: Likely pathogenic for Neuromuscular disease caused by qualitative or quantitative defects of dystrophin. Last evaluated: 2025-11-11. Review status: criteria provided, single submitter. Criteria: LabCorp Variant Classification Summary - May 2015. Collection method: clinical testing. Allele origin: germline.
Comment: Variant summary: The variant involves the duplication of exons 34-54 in the DMD gene. A presumed nomenclature of c.(4674+1_4675-1)_(8027+1_8028-1)dup has been designated for the purposes of this classification. It is assumed to be a tandem duplication in direct orientation (PMIDs: 25640679, 30054569). This Copy Number Variant (CNV) is expected to alter the reading frame and predicted to result in a truncation or absence of the encoded protein due to nonsense mediated decay (NMD). Loss-of-function variants in this gene are known to be pathogenic. The variant was absent in 16120 control chromosomes. The available data on variant occurrences in the general population are insufficient to allow any conclusion about variant significance. To our knowledge, no occurrence of c.(4674+1_4675-1)_(8027+1_8028-1)dup in individuals affected with DMD-related conditions and no experimental evidence demonstrating its impact on protein function have been reported. No submitters have cited clinical-significance assessments for this variant to ClinVar. Based on the evidence outlined above, the variant was classified as likely pathogenic.

NC_000023.10:g.(31645980_31676106)_(32398798_32404426)dup

Gene: DMD (dystrophin; minus strand). Cytogenetic location: Xp21.1.
Variant type: Duplication.
Identifiers: ClinVar variation 4536816 (VCV004536816.1).